The following is an entry in ClinVar:

ClinVar aggregate classification (germline): Benign. Review status: criteria provided, multiple submitters, no conflicts (2 of 4 stars). 14 submissions from 13 submitters: Benign (12). 2 of the submissions do not count toward it. Last evaluated 2026-02-04.

Conditions:
Nemaline myopathy 2 (NEM2). Also called: Nemaline myopathy 2, autosomal recessive. Identifiers: MedGen C1850569, MONDO:0009725, OMIM 256030.
Arthrogryposis multiplex congenita 6. Identifiers: MedGen C5543431, MONDO:0030281, OMIM 619334.

Allele frequency attached by ClinVar (database versions not stated): gnomAD exomes 0.13784 and 0.18296; ExAC 0.18986; ESP Exome Variant Server 0.19139; gnomAD 0.20341 and 0.20840; TOPMed 0.21563; 1000 Genomes Project 30x 0.32886; 1000 Genomes Project 0.33526.
gnomAD v4.1: 235,183 of 1,613,714 alleles (15%); highest among the groups gnomAD compares: East Asian, 57%; 26,248 homozygotes.

Submissions (14):

Labcorp Genetics (formerly Invitae), Labcorp
Classification: Benign for Nemaline myopathy 2. Last evaluated: 2026-02-04. Review status: criteria provided, single submitter. Criteria: Invitae Variant Classification Sherloc (09022015). Collection method: clinical testing. Allele origin: germline.

Blueprint Genetics
Classification: Benign. Last evaluated: 2024-11-26. Review status: criteria provided, single submitter. Criteria: ACMG Guidelines, 2015. Collection method: clinical testing. Allele origin: germline.

Genome-Nilou Lab
Classification: Benign for Arthrogryposis multiplex congenita 6. Last evaluated: 2021-07-10. Review status: criteria provided, single submitter. Criteria: ACMG Guidelines, 2015. Collection method: clinical testing. Allele origin: germline. Affected: no.

Genome-Nilou Lab
Classification: Benign for Nemaline myopathy 2. Last evaluated: 2021-07-10. Review status: criteria provided, single submitter. Criteria: ACMG Guidelines, 2015. Collection method: clinical testing. Allele origin: germline. Affected: no.

Athena Diagnostics
Classification: Benign. Last evaluated: 2019-03-07. Review status: criteria provided, single submitter. Criteria: Athena Diagnostics Criteria. Collection method: clinical testing. Allele origin: germline.

Illumina Laboratory Services, Illumina
Classification: Benign for Nemaline myopathy 2. Last evaluated: 2018-01-13. Review status: criteria provided, single submitter. Criteria: ICSL Variant Classification Criteria 13 December 2019. Collection method: clinical testing. Allele origin: germline.
Comment: This variant was observed in the ICSL laboratory as part of a predisposition screen in an ostensibly healthy population. It had not been previously curated by ICSL or reported in the Human Gene Mutation Database (HGMD: prior to June 1st, 2018), and was therefore a candidate for classification through an automated scoring system. Utilizing variant allele frequency, disease prevalence and penetrance estimates, and inheritance mode, an automated score was calculated to assess if this variant is too frequent to cause the disease. Based on the score and internal cut-off values, a variant classified as benign is not then subjected to further curation. The score for this variant resulted in a classification of benign for this disease.

Mayo Clinic Laboratories, Mayo Clinic
Classification: Benign. Last evaluated: 2017-07-20. Review status: criteria provided, single submitter. Criteria: ACMG Guidelines, 2015. Collection method: clinical testing. Allele origin: germline. Observed: 174 variant alleles.

Women's Health and Genetics/Laboratory Corporation of America, LabCorp
Classification: Benign. Last evaluated: 2017-04-24. Review status: criteria provided, single submitter. Criteria: LabCorp Variant Classification Summary - May 2015. Collection method: clinical testing. Allele origin: germline.
Comment: Variant summary: The NEB c.4435G>A (p.Val1479Ile) variant involves the alteration of a non-conserved nucleotide and 4/4 in silico tools (SNPs&GO not captured due to low reliability index) predict a benign outcome. This variant was found in 22922/120734 control chromosomes (including 3255 homozygotes) from ExAC at a frequency of 0.1898554, which is approximately 54 times the estimated maximal expected allele frequency of a pathogenic NEB variant (0.0035355), thus this variant is a commom benign polymorphism. In addition, multiple clinical diagnostic laboratories/reputable databases classified this variant as "likely benign/benign." Therefore, the variant of interest has been classified as Benign.

GeneDx
Classification: Benign. Last evaluated: 2016-01-28. Review status: criteria provided, single submitter. Criteria: GeneDx Variant Classification (06012015). Collection method: clinical testing. Allele origin: germline. Affected: yes.
Comment: This variant is considered likely benign or benign based on one or more of the following criteria: it is a conservative change, it occurs at a poorly conserved position in the protein, it is predicted to be benign by multiple in silico algorithms, and/or has population frequency not consistent with disease.

Laboratory for Molecular Medicine, Mass General Brigham Personalized Medicine
Classification: Benign. Last evaluated: 2014-11-26. Review status: criteria provided, single submitter. Criteria: LMM Criteria. Collection method: clinical testing. Allele origin: germline. Observed: 4 variant alleles.
Comment: p.Val1479Ile in exon 38 of NEB: This variant is not expected to have clinical si gnificance because it has been identified in 36% (1503/4208) of African American chromosomes by the NHLBI Exome Sequencing Project (/EVS/; dbSNP rs34577613).

Breakthrough Genomics
Classification: Benign. Review status: criteria provided, single submitter. Criteria: ACMG Guidelines, 2015. Collection method: not provided. Allele origin: germline. Inheritance: Autosomal recessive inheritance. Affected: yes.

PreventionGenetics, part of Exact Sciences
Classification: Benign. Review status: criteria provided, single submitter. Criteria: ACMG Guidelines, 2015. Collection method: clinical testing. Allele origin: germline.

Natera, Inc.
Classification: Benign for Nemaline myopathy type 2. Last evaluated: 2020-09-16. Review status: no assertion criteria provided. Collection method: clinical testing. Allele origin: germline. Not counted in ClinVar's aggregate classification.

Genetic Services Laboratory, University of Chicago
Classification: Likely benign for AllHighlyPenetrant. Review status: no assertion criteria provided. Collection method: clinical testing. Allele origin: germline. Inheritance: Autosomal recessive inheritance. Not counted in ClinVar's aggregate classification.
Comment: Likely benign based on allele frequency in 1000 Genomes Project or ESP global frequency and its presence in a patient with a rare or unrelated disease phenotype. NOT Sanger confirmed.

NM_001164508.2(NEB):c.4435G>A (p.Val1479Ile)

Gene: NEB (nebulin; minus strand). Cytogenetic location: 2q23.3.
Variant type: single nucleotide variant.
Coding change: c.4435G>A on transcript NM_001164508.2 (MANE Select); coding-DNA position 4435, G replaced by A.
Protein change: p.Val1479Ile; replaces valine 1479 with isoleucine.
Molecular consequence: missense variant.
Genome position (GRCh38, 1-based): chr2:151,671,094, C>T on the plus strand (G>A on the coding strand, the complement: NEB is on the minus strand). VCF-style: chr2-151671094-C-T. GRCh37 (hg19) VCF-style: chr2-152527608-C-T.
Other names: c.4435G>A, p.Val1479Ile (NM_001164507.2, NM_001271208.2, NM_004543.5); short protein forms V1479I.
Identifiers: ClinVar variation 129744 (VCV000129744.31), dbSNP rs34577613, ClinGen allele CA153992.